The following is an entry in ClinVar:

NM_007294.4(BRCA1):c.4986+9A>C

Gene: BRCA1 (BRCA1 DNA repair associated; minus strand). Cytogenetic location: 17q21.31.
Variant type: single nucleotide variant.
Coding change: c.4986+9A>C on transcript NM_007294.4 (MANE Select); 9 bases into the intron after coding-DNA position 4986, A replaced by C.
Molecular consequence: intron variant.
Genome position (GRCh38, 1-based): chr17:43,070,919, T>G on the plus strand (A>C on the coding strand, the complement: BRCA1 is on the minus strand). VCF-style: chr17-43070919-T-G. GRCh37 (hg19) VCF-style: chr17-41222936-T-G.
Other names: c.4845+9A>C (NM_001407697.1, NM_001407728.1, NM_007297.4 and 13 more transcripts); c.4839+9A>C (NM_001407838.1, NM_001407848.1, NM_001407839.1 and 12 more transcripts); c.1602+9A>C (NM_001408410.1); c.4842+9A>C (NM_001407741.1, NM_001407747.1, NM_001407745.1 and 21 more transcripts); c.1596+9A>C (NM_001408415.1, NM_001408412.1, NM_001408413.1 and 2 more transcripts); c.1464+9A>C (NM_001408483.1, NM_001408491.1, NM_001408481.1 and 5 more transcripts); c.4980+9A>C (NM_001407634.1, NM_001407632.1, NM_001407627.1 and 14 more transcripts); c.4983+9A>C (NM_001407610.1, NM_001407621.1, NM_001407613.1 and 17 more transcripts); and 71 more.
Identifiers: ClinVar variation 865497 (VCV000865497.3), dbSNP rs1567774286, ClinGen allele CA916080186.

Conditions:
Breast-ovarian cancer, familial, susceptibility to, 1 (BROVCA1). Also called: BRCA1 Hereditary Breast and Ovarian Cancer; OVARIAN CANCER, SUSCEPTIBILITY TO. Identifiers: Orphanet 145, MedGen C2676676, MONDO:0011450, OMIM 604370. Disease mechanism: loss of function.

Submission:

Brotman Baty Institute, University of Washington
No classification provided (evidence only). Condition: Breast-ovarian cancer, familial 1. Review status: no classification provided. Collection method: in vitro. Allele origin: not applicable. Functional consequence: functionally_normal.
ClinVar note: "not provided" was previously submitted as the classification for the variant. However, the classification appeared to be based only on an observation of functional data so it was converted to no classification on 2025-07-30.